The following is an entry in ClinVar:

NM_005618.4(DLL1):c.845G>T (p.Gly282Val)

Gene: DLL1 (delta like canonical Notch ligand 1; minus strand). Cytogenetic location: 6q27.
Variant type: single nucleotide variant.
Coding change: c.845G>T on transcript NM_005618.4 (MANE Select); coding-DNA position 845, G replaced by T.
Protein change: p.Gly282Val; replaces glycine 282 with valine.
Molecular consequence: missense variant.
Genome position (GRCh38, 1-based): chr6:170,285,586, C>A on the plus strand (G>T on the coding strand, the complement: DLL1 is on the minus strand). VCF-style: chr6-170285586-C-A. GRCh37 (hg19) VCF-style: chr6-170594674-C-A.
Other names: short protein forms G282V.
Identifiers: ClinVar variation 3382046 (VCV003382046.2).
Genomic context (GRCh38, chr6:170,285,586, plus strand): 5'-CTGCTCTGGAGGGAGCAGGCTGCCTCAGGGAGAGAAGGCTTACCCTGGTTGCAGAAAAGG[C>A]CCCCCCAGCCTTCCTGGCAGTTGCACTGCCAGGGCTGCTGGCAGGTGCCATGGAGACAGC-3'
Protein context (NP_005609.3, residues 272-292): WQCNCQEGWG[Gly282Val]LFCNQDLNYC

ClinVar aggregate classification (germline): Uncertain significance (1 of 4 stars; one submission).

Conditions:
Neurodevelopmental disorder with nonspecific brain abnormalities and with or without seizures. Identifiers: MedGen C5231470, MONDO:0032877, OMIM 618709.

Submission:

Juno Genomics, Hangzhou Juno Genomics, Inc
Classification: Uncertain significance for Neurodevelopmental disorder with nonspecific brain abnormalities and with or without seizures. Review status: criteria provided, single submitter. Criteria: ACMG Guidelines, 2015. Collection method: clinical testing. Allele origin: germline. Affected: yes.
Comment: Absent from controls (or at extremely low frequency if recessive) in Genome Aggregation Database, Exome Sequencing Project, 1000 Genomes Project, or Exome Aggregation Consortium.;Located in a mutational hot spot and/or critical and well-established functional domain (e.g. active site of an enzyme) without benign variation.